The following is an entry in ClinVar:

ClinVar aggregate classification (germline): Uncertain significance (1 of 4 stars; one submission).

Submission:

GeneDx
Classification: Uncertain significance. Last evaluated: 2023-11-10. Review status: criteria provided, single submitter. Criteria: GeneDx Variant Classification Process June 2021. Collection method: clinical testing. Allele origin: germline. Affected: yes.
Comment: In-frame deletion of 1 amino acid in a non-repeat region; In silico analysis supports a deleterious effect on protein structure/function; Has not been previously published as pathogenic or benign to our knowledge

NM_001348323.3(TRIP12):c.3341CTT[1] (p.Ser1115del)

Gene: TRIP12 (thyroid hormone receptor interactor 12; minus strand). Cytogenetic location: 2q36.3.
Variant type: Microsatellite.
Coding change: c.3341CTT[1] on transcript NM_001348323.3 (MANE Select); one copy of the 3-base unit CTT starting at c.3341; the reference has two copies in a row; one copy, 3 bases deleted.
Protein change: p.Ser1115del; deletes serine 1115.
Genome position (GRCh38, 1-based): chr2:229,799,011-229,799,013, AAG deleted on the plus strand (CTT on the coding strand, the reverse complement: TRIP12 is on the minus strand); deleting any 3 consecutive bases within chr2:229,799,011-229,799,017 gives the same sequence; the position shown is the placement nearest the transcript's 3' end. VCF-style (leftmost placement, unchanged base first): chr2-229799010-AAAG-A. GRCh37 (hg19) VCF-style: chr2-230663726-AAAG-A.
Other names: c.3260CTT[1], p.Ser1088del (NM_001284214.2, NM_001348315.2); c.3215CTT[1], p.Ser1073del (NM_001284215.2, NM_001348316.2, NM_001348317.1 and 1 more transcripts); c.2306CTT[1], p.Ser770del (NM_001284216.2); c.3341CTT[1], p.Ser1115del (NM_001348319.1, NM_001348320.2, NM_001348322.1 and 4 more transcripts); c.3344CTT[1], p.Ser1116del (NM_001348321.1, NM_001348328.1, NM_001348329.2 and 1 more transcripts); c.3134CTT[1], p.Ser1046del (NM_001348331.1); c.3254CTT[1], p.Ser1086del (NM_001348332.1); c.3263CTT[1], p.Ser1089del (NM_001348333.1); and 1 more; short protein forms S1040del, S1046del, S1073del, S1086del, S1088del, S1089del, S1115del, S1116del.
Identifiers: ClinVar variation 3364205 (VCV003364205.1).